The following is an entry in ClinVar:

ClinVar aggregate classification (germline): Uncertain significance (1 of 4 stars; one submission).

Conditions:
Peroxisome biogenesis disorder 5A (Zellweger) (PBD5A). Identifiers: Orphanet 912, MedGen C3553940, MONDO:0013932, OMIM 614866.

Allele frequency attached by ClinVar (database versions not stated): gnomAD exomes below 0.00001.

Submission:

Labcorp Genetics (formerly Invitae), Labcorp
Classification: Uncertain significance for Peroxisome biogenesis disorder 5A (Zellweger). Last evaluated: 2022-04-11. Review status: criteria provided, single submitter. Criteria: Invitae Variant Classification Sherloc (09022015). Collection method: clinical testing. Allele origin: germline.
Comment: In summary, the available evidence is currently insufficient to determine the role of this variant in disease. Therefore, it has been classified as a Variant of Uncertain Significance. Algorithms developed to predict the effect of missense changes on protein structure and function are either unavailable or do not agree on the potential impact of this missense change (SIFT: "Deleterious"; PolyPhen-2: "Probably Damaging"; Align-GVGD: "Class C0"). This variant has not been reported in the literature in individuals affected with PEX2-related conditions. This variant is not present in population databases (gnomAD no frequency). This sequence change replaces arginine, which is basic and polar, with glutamine, which is neutral and polar, at codon 119 of the PEX2 protein (p.Arg119Gln).

NM_000318.3(PEX2):c.356G>A (p.Arg119Gln)

Gene: PEX2 (peroxisomal biogenesis factor 2; minus strand). Cytogenetic location: 8q21.13.
Variant type: single nucleotide variant.
Coding change: c.356G>A on transcript NM_000318.3 (MANE Select); coding-DNA position 356, G replaced by A.
Protein change: p.Arg119Gln; replaces arginine 119 with glutamine.
Molecular consequence: missense variant.
Genome position (GRCh38, 1-based): chr8:76,983,823, C>T on the plus strand (G>A on the coding strand, the complement: PEX2 is on the minus strand). VCF-style: chr8-76983823-C-T. GRCh37 (hg19) VCF-style: chr8-77896059-C-T.
Other names: c.356G>A, p.Arg119Gln (NM_001079867.2, NM_001172086.2, NM_001172087.2); short protein forms R119Q.
Identifiers: ClinVar variation 2124691 (VCV002124691.4), dbSNP rs2132044194, ClinGen allele CA371557525.